The following is an entry in ClinVar:

NM_001394062.1(MACF1):c.12926del (p.Thr4309fs)

Gene: MACF1 (microtubule actin crosslinking factor 1; plus strand). Cytogenetic location: 1p34.3.
Variant type: Deletion.
Coding change: c.12926del on transcript NM_001394062.1 (MANE Select); coding-DNA position 12926, one base deleted (C; older notation c.12926delC).
Protein change: p.Thr4309fs; shifts the reading frame from threonine 4309.
Molecular consequence: frameshift variant.
Genome position (GRCh38, 1-based): chr1:39,368,302, C deleted. VCF-style (leftmost placement, unchanged base first): chr1-39368301-AC-A. GRCh37 (hg19) VCF-style: chr1-39833973-AC-A.
Other names: c.6740del, p.Thr2247fs (NM_012090.5); short protein forms T2247fs, T4309fs.
Identifiers: ClinVar variation 3648716 (VCV003648716.2).

ClinVar aggregate classification (germline): Uncertain significance (1 of 4 stars; one submission).

Submission:

Labcorp Genetics (formerly Invitae), Labcorp
Classification: Uncertain significance. Last evaluated: 2024-04-03. Review status: criteria provided, single submitter. Criteria: Invitae Variant Classification Sherloc (09022015). Collection method: clinical testing. Allele origin: germline.
Comment: This sequence change creates a premature translational stop signal (p.Thr2247Lysfs*30) in the MACF1 gene. It is expected to result in an absent or disrupted protein product. However, the current clinical and genetic evidence is not sufficient to establish whether loss-of-function variants in MACF1 cause disease. This variant is not present in population databases (gnomAD no frequency). This variant has not been reported in the literature in individuals affected with MACF1-related conditions. In summary, the available evidence is currently insufficient to determine the role of this variant in disease. Therefore, it has been classified as a Variant of Uncertain Significance.